The following is an entry in ClinVar:

NM_001303.4(COX10):c.*297G>A

Gene: COX10 (cytochrome c oxidase assembly factor heme A:farnesyltransferase COX10; plus strand). Cytogenetic location: 17p12.
Variant type: single nucleotide variant.
Coding change: c.*297G>A on transcript NM_001303.4 (MANE Select); 297 bases downstream of the stop codon, G replaced by A.
Molecular consequence: 3 prime UTR variant.
Genome position (GRCh38, 1-based): chr17:14,207,510, G>A. VCF-style: chr17-14207510-G-A. GRCh37 (hg19) VCF-style: chr17-14110827-G-A.
Identifiers: ClinVar variation 321822 (VCV000321822.9), dbSNP rs8076247, ClinGen allele CA10638945.
Genomic context (GRCh38, chr17:14,207,510, plus strand): 5'-GGTCTTTATACATCTCTCCTCCAACCCCACCCTCTATTCTGTTTCTTCCTCCTCACATGG[G>A]GGTACACATACACAGCTTCCTCTTTTGGTTCCATCCTTACCACCACACCACACGCACACT-3'

ClinVar aggregate classification (germline): Benign. Review status: criteria provided, multiple submitters, no conflicts (2 of 4 stars). 4 submissions from 3 submitters: Benign (4). Last evaluated 2018-06-14.

Conditions:
Mitochondrial complex IV deficiency, nuclear type 1 (MC4DN1). Also called: COX DEFICIENCY; Mitochondrial complex IV deficiency; Complex 4 mitochondrial respiratory chain deficiency; Deficiency of mitochondrial respiratory chain complex4; Complex IV deficiency. Identifiers: MedGen C5435656, MONDO:0700250, OMIM 220110. Disease mechanism: loss of function.
Leigh syndrome (NULS). Also called: Leigh Disease; Subacute necrotizing encephalopathy; Necrotizing encephalopathy infantile subacute of Leigh; Leigh's necrotizing encephalopathy; Leigh's disease; Leigh's syndrome. Identifiers: Orphanet 506, MedGen C2931891, MONDO:0009723, OMIM 256000.

Allele frequency attached by ClinVar (database versions not stated): 1000 Genomes Project 30x 0.19628; 1000 Genomes Project 0.20168; gnomAD 0.23328 and 0.23592; TOPMed 0.23361; gnomAD exomes 0.29417.
gnomAD v4.1: 98,107 of 364,098 alleles (27%); highest among the groups gnomAD compares: Admixed American, 33%; 14,850 homozygotes.

Submissions (4):

GeneDx
Classification: Benign. Last evaluated: 2018-06-14. Review status: criteria provided, single submitter. Criteria: GeneDx Variant Classification Process June 2021. Collection method: clinical testing. Allele origin: germline. Affected: yes.

Illumina Laboratory Services, Illumina
Classification: Benign for Leigh syndrome. Last evaluated: 2018-01-13. Review status: criteria provided, single submitter. Criteria: ICSL Variant Classification Criteria 13 December 2019. Collection method: clinical testing. Allele origin: germline.
Comment: This variant was observed in the ICSL laboratory as part of a predisposition screen in an ostensibly healthy population. It had not been previously curated by ICSL or reported in the Human Gene Mutation Database (HGMD: prior to June 1st, 2018), and was therefore a candidate for classification through an automated scoring system. Utilizing variant allele frequency, disease prevalence and penetrance estimates, and inheritance mode, an automated score was calculated to assess if this variant is too frequent to cause the disease. Based on the score and internal cut-off values, a variant classified as benign is not then subjected to further curation. The score for this variant resulted in a classification of benign for this disease.

Illumina Laboratory Services, Illumina
Classification: Benign for Mitochondrial complex IV deficiency, nuclear type 1. Last evaluated: 2018-01-13. Review status: criteria provided, single submitter. Criteria: ICSL Variant Classification Criteria 13 December 2019. Collection method: clinical testing. Allele origin: germline.
Comment: the same text as in the submission from Illumina Laboratory Services, Illumina above.

Breakthrough Genomics
Classification: Benign. Review status: criteria provided, single submitter. Criteria: ACMG Guidelines, 2015. Collection method: not provided. Allele origin: germline. Inheritance: Autosomal recessive inheritance. Affected: yes.